The following is an entry in ClinVar:

ClinVar aggregate classification (germline): Likely pathogenic (1 of 4 stars; one submission).

Submission:

Labcorp Genetics (formerly Invitae), Labcorp
Classification: Likely pathogenic. Last evaluated: 2021-10-11. Review status: criteria provided, single submitter. Criteria: Invitae Variant Classification Sherloc (09022015). Collection method: clinical testing. Allele origin: germline.
Comment: Advanced modeling of protein sequence and biophysical properties (such as structural, functional, and spatial information, amino acid conservation, physicochemical variation, residue mobility, and thermodynamic stability) performed at Invitae indicates that this missense variant is expected to disrupt COL27A1 protein function. In summary, the currently available evidence indicates that the variant is pathogenic, but additional data are needed to prove that conclusively. Therefore, this variant has been classified as Likely Pathogenic. A different variant (c.2026G>C) giving rise to the same protein effect has been determined to be pathogenic (PMID: 33359165). This suggests that this variant is also likely to be causative of disease. This variant is not present in population databases (ExAC no frequency). This sequence change replaces glycine with arginine at codon 676 of the COL27A1 protein (p.Gly676Arg). The glycine residue is highly conserved and there is a moderate physicochemical difference between glycine and arginine.

Literature cited by the submitters: PubMed 33359165.

NM_032888.4(COL27A1):c.2026G>A (p.Gly676Arg)

Gene: COL27A1 (collagen type XXVII alpha 1 chain; plus strand). Cytogenetic location: 9q32.
Variant type: single nucleotide variant.
Coding change: c.2026G>A on transcript NM_032888.4 (MANE Select); coding-DNA position 2026, G replaced by A.
Protein change: p.Gly676Arg; replaces glycine 676 with arginine.
Molecular consequence: missense variant.
Genome position (GRCh38, 1-based): chr9:114,194,413, G>A. VCF-style: chr9-114194413-G-A. GRCh37 (hg19) VCF-style: chr9-116956693-G-A.
Other names: short protein forms G676R.
Identifiers: ClinVar variation 1495900 (VCV001495900.6), dbSNP rs2135241121, ClinGen allele CA374598853.